The following is an entry in ClinVar:

NM_018180.3(DHX32):c.1529_1530inv (p.Ala510Val)

Genes: BCCIP (BRCA2 and CDKN1A interacting protein; plus strand), DHX32 (DEAH-box helicase 32 (putative); minus strand). Cytogenetic location: 10q26.2.
Variant type: Inversion.
Coding change: c.1529_1530inv on transcript NM_018180.3 (MANE Select).
Protein change: p.Ala510Val; replaces alanine 510 with valine.
Molecular consequence: missense variant. On other transcripts: 3 prime UTR variant (1), intron variant (1).
Genome position: GRCh38 VCF-style: chr10-125841756-TG-CA. GRCh37 (hg19) VCF-style: chr10-127530325-TG-CA.
Other names: c.*397_*398inv (NM_078469.3); c.850+426_850+427inv (NM_016567.4); short protein forms A510V.
Identifiers: ClinVar variation 4699106 (VCV004699106.1).
Genomic context (GRCh38, chr10:125,841,756, plus strand): 5'-CTAGTGCAGATTTGCAAAAAAAGAAAAGGAATAGTCATTAAGGATACCTGTTACCATGGC[TG>CA]CGATTGTTAGCACTTCATCTACACAGTCAAATTCACAGGACGCTAAGATAGACTTCGAGA-3'
Protein context (NP_060650.2, residues 500-520): FDCVDEVLTI[Ala510Val]AMVTAPNCFS

ClinVar aggregate classification (germline): Uncertain significance (1 of 4 stars; one submission).

Submission:

Labcorp Genetics (formerly Invitae), Labcorp
Classification: Uncertain significance. Last evaluated: 2025-10-19. Review status: criteria provided, single submitter. Criteria: Invitae Variant Classification Sherloc (09022015). Collection method: clinical testing. Allele origin: germline.
Comment: This sequence change replaces alanine, which is neutral and non-polar, with valine, which is neutral and non-polar, at codon 510 of the DHX32 protein (p.Ala510Val). The frequency data for this variant in the population databases is considered unreliable, as metrics indicate poor data quality at this position in the gnomAD database. This variant has not been reported in the literature in individuals affected with DHX32-related conditions. An algorithm developed to predict the effect of missense changes on protein structure and function (PolyPhen-2) suggests that this variant is likely to be disruptive. In summary, the available evidence is currently insufficient to determine the role of this variant in disease. Therefore, it has been classified as a Variant of Uncertain Significance.